The following is an entry in ClinVar:

NM_022356.4(P3H1):c.1247G>A (p.Arg416His)

Gene: P3H1 (prolyl 3-hydroxylase 1; minus strand). Cytogenetic location: 1p34.2.
Variant type: single nucleotide variant.
Coding change: c.1247G>A on transcript NM_022356.4 (MANE Select); coding-DNA position 1247, G replaced by A.
Protein change: p.Arg416His; replaces arginine 416 with histidine.
Molecular consequence: missense variant.
Genome position (GRCh38, 1-based): chr1:42,754,967, C>T on the plus strand (G>A on the coding strand, the complement: P3H1 is on the minus strand). VCF-style: chr1-42754967-C-T. GRCh37 (hg19) VCF-style: chr1-43220638-C-T.
Other names: c.1247G>A, p.Arg416His (NM_001146289.2, NM_001243246.2); short protein forms R416H.
Identifiers: ClinVar variation 875585 (VCV000875585.10), dbSNP rs763373396, ClinGen allele CA801897.
Genomic context (GRCh38, chr1:42,754,967, plus strand): 5'-GTCTTCTCTTCCACAAGGGTCTCGATTTCCTTCATAAGGTTCCCAATCTCCTGGGAGATG[C>T]GTACGGCTGTTTCCCGTTCTGACCTATGAGCACAGCCGCTCTGAGGACTGCATTCCAGGG-3'
Protein context (NP_071751.3, residues 406-426): KQKSERETAV[Arg416His]ISQEIGNLMK

ClinVar aggregate classification (germline): Uncertain significance. Review status: criteria provided, multiple submitters, no conflicts (2 of 4 stars). 3 submissions from 3 submitters: Uncertain significance (3). Last evaluated 2023-04-11.

Conditions:
Osteogenesis imperfecta type 8 (OI8). Identifiers: MedGen C1970458, MONDO:0012581, OMIM 610915.

Allele frequency attached by ClinVar (database versions not stated): gnomAD 0.00001; gnomAD exomes 0.00001; TOPMed 0.00001; ExAC 0.00002.
gnomAD v4.1: 9 of 1,614,066 alleles (0.00056%); highest among the groups gnomAD compares: Admixed American, 0.0033%; no homozygotes.

Submissions (3):

Genome-Nilou Lab
Classification: Uncertain significance for Osteogenesis imperfecta type 8. Last evaluated: 2023-04-11. Review status: criteria provided, single submitter. Criteria: ACMG Guidelines, 2015. Collection method: clinical testing. Allele origin: germline. Affected: no.

Labcorp Genetics (formerly Invitae), Labcorp
Classification: Uncertain significance for Osteogenesis imperfecta type 8. Last evaluated: 2021-08-30. Review status: criteria provided, single submitter. Criteria: Invitae Variant Classification Sherloc (09022015). Collection method: clinical testing. Allele origin: germline.
Comment: This sequence change replaces arginine with histidine at codon 416 of the P3H1 protein (p.Arg416His). The arginine residue is highly conserved and there is a small physicochemical difference between arginine and histidine. This variant is present in population databases (rs763373396, ExAC 0.01%). This variant has not been reported in the literature in individuals affected with P3H1-related conditions. ClinVar contains an entry for this variant (Variation ID: 875585). Algorithms developed to predict the effect of missense changes on protein structure and function are either unavailable or do not agree on the potential impact of this missense change (SIFT: "Deleterious"; PolyPhen-2: "Probably Damaging"; Align-GVGD: "Class C0"). In summary, the available evidence is currently insufficient to determine the role of this variant in disease. Therefore, it has been classified as a Variant of Uncertain Significance.

Illumina Laboratory Services, Illumina
Classification: Uncertain significance for Osteogenesis imperfecta type 8. Last evaluated: 2018-01-12. Review status: criteria provided, single submitter. Criteria: ICSL Variant Classification Criteria 13 December 2019. Collection method: clinical testing. Allele origin: germline.